The following is an entry in ClinVar:

NM_000257.4(MYH7):c.3133C>A (p.Arg1045Ser)

Gene: MYH7 (myosin heavy chain 7; minus strand). Cytogenetic location: 14q11.2.
Variant type: single nucleotide variant.
Coding change: c.3133C>A on transcript NM_000257.4 (MANE Select); coding-DNA position 3133, C replaced by A.
Protein change: p.Arg1045Ser; replaces arginine 1045 with serine.
Molecular consequence: missense variant.
Genome position (GRCh38, 1-based): chr14:23,422,292, G>T on the plus strand (C>A on the coding strand, the complement: MYH7 is on the minus strand). VCF-style: chr14-23422292-G-T. GRCh37 (hg19) VCF-style: chr14-23891501-G-T.
Other names: c.3133C>A, p.Arg1045Ser (NM_001407004.1); short protein forms R1045S.
Identifiers: ClinVar variation 3242034 (VCV003242034.2), dbSNP rs45611033.

ClinVar aggregate classification (germline): Conflicting classifications of pathogenicity. Review status: criteria provided, conflicting classifications (1 of 4 stars). 2 submissions from 2 submitters: Likely pathogenic (1); Uncertain significance (1). Last evaluated 2024-07-18.

Conditions:
Hypertrophic cardiomyopathy 1 (CMH1). Also called: Familial hypertrophic cardiomyopathy 1; MYH7-Related Familial Hypertrophic Cardiomyopathy. Identifiers: MedGen C3495498, MONDO:0008647, OMIM 192600.

gnomAD v4.1: 1 of 1,614,170 alleles (0.000062%); no homozygotes.

Submissions (2):

Blueprint Genetics
Classification: Uncertain significance. Last evaluated: 2024-07-18. Review status: criteria provided, single submitter. Criteria: ACMG Guidelines, 2015. Collection method: clinical testing. Allele origin: germline.

Neuberg Centre For Genomic Medicine, NCGM
Classification: Likely pathogenic for Hypertrophic cardiomyopathy 1. Review status: criteria provided, single submitter. Criteria: ACMG Guidelines, 2015. Collection method: clinical testing. Allele origin: germline. Inheritance: Autosomal dominant inheritance. Affected: yes.
Comment: The missense variant c.3133C>A(p.Arg1045Ser) in the MYH7 gene which is located in a mutational hot spot position has not been reported previously as a pathogenic variant nor as a benign variant, to our knowledge. This variant is present in a mutational hotspot. Different amino acid changes p.Arg1045His and p.Arg1045Leu is reported as a known pathogenic variant (Zhang Y, et al., 2021; Walsh R, et al., 2017). This variant is absent in the gnomAD Exomes. The amino acid Arginine at position 1045 is changed to a Serine changing protein sequence and it might alter its composition and physico-chemical properties. The variant is predicted as damaging by SIFT. The amino acid change p.Arg1045Ser in MYH7 is predicted as conserved by GERP++ and PhyloP across 100 vertebrates. For these reasons, this variant has been classified as Likely Pathogenic.